The following is an entry in ClinVar:

ClinVar aggregate classification (germline): Uncertain significance. Review status: criteria provided, multiple submitters, no conflicts (2 of 4 stars). 2 submissions from 2 submitters: Uncertain significance (2). Last evaluated 2025-06-09.

Conditions:
Osteogenesis imperfecta type I (OI1). Also called: Lobstein's Disease; Lobstein disease; OI, TYPE I; OSTEOGENESIS IMPERFECTA TARDA; OSTEOGENESIS IMPERFECTA WITH BLUE SCLERAE; Osteogenesis imperfecta type 1. Identifiers: Orphanet 216796, Orphanet 666, MedGen C0023931, MONDO:0008146, OMIM 166200. Disease mechanism: loss of function.

Submissions (2):

GeneDx
Classification: Uncertain significance. Last evaluated: 2025-06-09. Review status: criteria provided, single submitter. Criteria: GeneDx Variant Classification Process June 2021. Collection method: clinical testing. Allele origin: germline. Affected: yes.
Comment: Has not been previously published as pathogenic or benign to our knowledge; Not observed at significant frequency in large population cohorts (gnomAD); In silico analysis suggests that this missense variant does not alter protein structure/function; Occurs in the triple helical domain at the X position in the canonical Gly-X-Y repeat; although this variant may have an effect on normal protein folding and function, missense substitution at the X position is not a common mechanism of disease (HGMD)

Labcorp Genetics (formerly Invitae), Labcorp
Classification: Uncertain significance for Osteogenesis imperfecta type I. Last evaluated: 2024-05-19. Review status: criteria provided, single submitter. Criteria: Invitae Variant Classification Sherloc (09022015). Collection method: clinical testing. Allele origin: germline.
Comment: This sequence change replaces valine, which is neutral and non-polar, with isoleucine, which is neutral and non-polar, at codon 456 of the COL1A1 protein (p.Val456Ile). The frequency data for this variant in the population databases is considered unreliable, as metrics indicate poor data quality at this position in the gnomAD database. This variant has not been reported in the literature in individuals affected with COL1A1-related conditions. Advanced modeling of protein sequence and biophysical properties (such as structural, functional, and spatial information, amino acid conservation, physicochemical variation, residue mobility, and thermodynamic stability) performed at Invitae indicates that this missense variant is not expected to disrupt COL1A1 protein function with a negative predictive value of 95%. In summary, the available evidence is currently insufficient to determine the role of this variant in disease. Therefore, it has been classified as a Variant of Uncertain Significance.

NM_000088.4(COL1A1):c.1366G>A (p.Val456Ile)

Gene: COL1A1 (collagen type I alpha 1 chain; minus strand). Cytogenetic location: 17q21.33.
Variant type: single nucleotide variant.
Coding change: c.1366G>A on transcript NM_000088.4 (MANE Select); coding-DNA position 1366, G replaced by A.
Protein change: p.Val456Ile; replaces valine 456 with isoleucine.
Molecular consequence: missense variant.
Genome position (GRCh38, 1-based): chr17:50,194,816, C>T on the plus strand (G>A on the coding strand, the complement: COL1A1 is on the minus strand). VCF-style: chr17-50194816-C-T. GRCh37 (hg19) VCF-style: chr17-48272177-C-T.
Other names: short protein forms V456I.
Identifiers: ClinVar variation 3703272 (VCV003703272.3).